The following is an entry in ClinVar:

ClinVar aggregate classification (germline): Likely benign. Review status: criteria provided, multiple submitters, no conflicts (2 of 4 stars). 2 submissions from 2 submitters: Likely benign (2). Last evaluated 2026-06-16.

Conditions:
HNF4A-related disorder. Also called: HNF4A-related condition.

gnomAD v4.1: 29 of 1,613,934 alleles (0.0018%); highest among the groups gnomAD compares: African/African-American, 0.015%; no homozygotes.

Submissions (2):

PreventionGenetics, part of Exact Sciences
Classification: Likely benign for HNF4A-related condition. Last evaluated: 2026-06-16. Review status: criteria provided, single submitter. Criteria: ACMG Guidelines, 2015. Collection method: clinical testing. Allele origin: germline.
Comment: This variant is classified as likely benign based on ACMG/AMP sequence variant interpretation guidelines (Richards et al. 2015 PMID: 25741868, with internal and published modifications).

Labcorp Genetics (formerly Invitae), Labcorp
Classification: Likely benign. Last evaluated: 2025-07-04. Review status: criteria provided, single submitter. Criteria: Invitae Variant Classification Sherloc (09022015). Collection method: clinical testing. Allele origin: germline.

NM_175914.5(HNF4A):c.1074C>T (p.Ser358=)

Gene: HNF4A (hepatocyte nuclear factor 4 alpha; plus strand). Cytogenetic location: 20q13.12.
Variant type: single nucleotide variant.
Coding change: c.1074C>T on transcript NM_175914.5 (MANE Select); coding-DNA position 1074, C replaced by T.
Protein change: p.Ser358=; no amino-acid change (serine 358 retained).
Molecular consequence: synonymous variant.
Genome position (GRCh38, 1-based): chr20:44,428,345, C>T. VCF-style: chr20-44428345-C-T. GRCh37 (hg19) VCF-style: chr20-43056985-C-T.
Other names: c.1140C>T, p.Ser380= (NM_000457.6, NM_178849.3); c.1074C>T, p.Ser358= (NM_001030003.3); c.1119C>T, p.Ser373= (NM_001258355.2); c.1065C>T, p.Ser355= (NM_001287182.2, NM_001287183.2).
Identifiers: ClinVar variation 4690667 (VCV004690667.2).